The following is an entry in ClinVar:

NM_001371986.1(UNC80):c.9038C>T (p.Thr3013Ile)

Gene: UNC80 (unc-80 homolog, NALCN channel complex subunit; plus strand). Cytogenetic location: 2q34.
Variant type: single nucleotide variant.
Coding change: c.9038C>T on transcript NM_001371986.1 (MANE Select); coding-DNA position 9038, C replaced by T.
Protein change: p.Thr3013Ile; replaces threonine 3013 with isoleucine.
Molecular consequence: missense variant.
Genome position (GRCh38, 1-based): chr2:209,978,628, C>T. VCF-style: chr2-209978628-C-T. GRCh37 (hg19) VCF-style: chr2-210843352-C-T.
Other names: c.8840C>T, p.Thr2947Ile (NM_032504.2); c.8825C>T, p.Thr2942Ile (NM_182587.4); short protein forms T2942I, T2947I, T3013I.
Identifiers: ClinVar variation 1385890 (VCV001385890.5), dbSNP rs1397804759, ClinGen allele CA350414584.

ClinVar aggregate classification (germline): Uncertain significance (1 of 4 stars; one submission).

Allele frequency attached by ClinVar (database versions not stated): gnomAD 0.00001; gnomAD exomes 0.00001 and 0.00002; TOPMed 0.00002.
gnomAD v4.1: 26 of 1,551,486 alleles (0.0017%); highest among the groups gnomAD compares: Admixed American, 0.0039%; 1 homozygote.

Submission:

Labcorp Genetics (formerly Invitae), Labcorp
Classification: Uncertain significance. Last evaluated: 2021-09-24. Review status: criteria provided, single submitter. Criteria: Invitae Variant Classification Sherloc (09022015). Collection method: clinical testing. Allele origin: germline.
Comment: This sequence change replaces threonine with isoleucine at codon 2947 of the UNC80 protein (p.Thr2947Ile). The threonine residue is weakly conserved and there is a moderate physicochemical difference between threonine and isoleucine. This variant is not present in population databases (ExAC no frequency). This variant has not been reported in the literature in individuals with UNC80-related conditions. Algorithms developed to predict the effect of missense changes on protein structure and function are either unavailable or do not agree on the potential impact of this missense change (SIFT: "Not Available"; PolyPhen-2: "Probably Damaging"; Align-GVGD: "Not Available"). In summary, the available evidence is currently insufficient to determine the role of this variant in disease. Therefore, it has been classified as a Variant of Uncertain Significance.